The following is an entry in ClinVar:

NM_001142800.2(EYS):c.1083_1108del (p.Phe362fs)

Gene: EYS (EGF-like photoreceptor maintenance factor; minus strand). Cytogenetic location: 6q12.
Variant type: Deletion.
Coding change: c.1083_1108del on transcript NM_001142800.2 (MANE Select); coding-DNA positions 1083 to 1108, 26 bases deleted (ATTTACAGATTTGCTTTGTAAGAGCA).
Protein change: p.Phe362fs; shifts the reading frame from phenylalanine 362.
Molecular consequence: frameshift variant.
Genome position (GRCh38, 1-based): chr6:65,402,554-65,402,579, TGCTCTTACAAAGCAAATCTGTAAAT deleted on the plus strand (ATTTACAGATTTGCTTTGTAAGAGCA on the coding strand, the reverse complement: EYS is on the minus strand). VCF-style (leftmost placement, unchanged base first): chr6-65402553-ATGCTCTTACAAAGCAAATCTGTAAAT-A. GRCh37 (hg19) VCF-style: chr6-66112446-ATGCTCTTACAAAGCAAATCTGTAAAT-A.
Other names: c.1083_1108del, p.Phe362fs (NM_001142801.2, NM_001292009.2, NM_198283.2); short protein forms F362fs.
Identifiers: ClinVar variation 2103586 (VCV002103586.4), dbSNP rs2533367342, ClinGen allele CA2580075675.

ClinVar aggregate classification (germline): Pathogenic (1 of 4 stars; one submission).

Submission:

Labcorp Genetics (formerly Invitae), Labcorp
Classification: Pathogenic. Last evaluated: 2025-08-11. Review status: criteria provided, single submitter. Criteria: Invitae Variant Classification Sherloc (09022015). Collection method: clinical testing. Allele origin: germline.
Comment: This sequence change creates a premature translational stop signal (p.Phe362Serfs*5) in the EYS gene. It is expected to result in an absent or disrupted protein product. Loss-of-function variants in EYS are known to be pathogenic (PMID: 18836446, 20333770). This variant is not present in population databases (gnomAD no frequency). This variant has not been reported in the literature in individuals affected with EYS-related conditions. ClinVar contains an entry for this variant (Variation ID: 2103586). For these reasons, this variant has been classified as Pathogenic.

Literature cited by the submitters: PubMed 18836446; PubMed 20333770.